The following is an entry in ClinVar:

NM_001081550.2(THOC2):c.3668G>C (p.Ser1223Thr)

Gene: THOC2 (THO complex subunit 2; minus strand). Cytogenetic location: Xq25.
Variant type: single nucleotide variant.
Coding change: c.3668G>C on transcript NM_001081550.2 (MANE Select); coding-DNA position 3668, G replaced by C.
Protein change: p.Ser1223Thr; replaces serine 1223 with threonine.
Molecular consequence: missense variant.
Genome position (GRCh38, 1-based): chrX:123,623,119, C>G on the plus strand (G>C on the coding strand, the complement: THOC2 is on the minus strand). VCF-style: chrX-123623119-C-G. GRCh37 (hg19) VCF-style: chrX-122756970-C-G.
Other names: c.3668G>C, p.Ser1223Thr (NM_001441235.1, NM_001441236.1); short protein forms S1223T.
Identifiers: ClinVar variation 4282169 (VCV004282169.1).

ClinVar aggregate classification (germline): Uncertain significance (1 of 4 stars; one submission).

gnomAD v4.1: 4 of 1,207,295 alleles (0.00033%); highest among the groups gnomAD compares: African/African-American, 0.0017%; no homozygotes.

Submission:

GeneDx
Classification: Uncertain significance. Last evaluated: 2025-04-15. Review status: criteria provided, single submitter. Criteria: GeneDx Variant Classification Process June 2021. Collection method: clinical testing. Allele origin: germline. Affected: yes.
Comment: Not observed at significant frequency in large population cohorts (gnomAD); In silico analysis indicates that this missense variant does not alter protein structure/function; Has not been previously published as pathogenic or benign to our knowledge